The following is an entry in ClinVar:

NM_001845.6(COL4A1):c.1155_1163del (p.Phe386_Gly388del)

Gene: COL4A1 (collagen type IV alpha 1 chain; minus strand). Cytogenetic location: 13q34.
Variant type: Deletion.
Coding change: c.1155_1163del on transcript NM_001845.6 (MANE Select); coding-DNA positions 1155 to 1163, 9 bases deleted (CTTCCCTGG; older notation c.1155_1163delCTTCCCTGG).
Protein change: p.Phe386_Gly388del.
Genome position (GRCh38, 1-based): chr13:110,198,589-110,198,597, CCAGGGAAG deleted on the plus strand (CTTCCCTGG on the coding strand, the reverse complement: COL4A1 is on the minus strand); deleting any 9 consecutive bases within chr13:110,198,589-110,198,603 gives the same sequence; the c. name uses the placement nearest the transcript's 3' end. VCF-style (leftmost placement, unchanged base first): chr13-110198588-ACCAGGGAAG-A. GRCh37 (hg19) VCF-style: chr13-110850935-ACCAGGGAAG-A.
Other names: c.1155_1163del, p.Phe386_Gly388del (NM_001303110.2).
Identifiers: ClinVar variation 3361601 (VCV003361601.1).
Genomic context (GRCh38, chr13:110,198,588, plus strand): 5'-TCCACTTGGTCCTGGCAGAGATGTACCAGGAAATCCTCGGTCACCTTTTTCTCCTCTTTC[ACCAGGGAAG>A]CCAGGGGCACCAGCCTGCCCAGGTACAGGGAGGCCTGCAACCAGACAGAAGCTCACATCA-3'

ClinVar aggregate classification (germline): Uncertain significance (1 of 4 stars; one submission).

Submission:

GeneDx
Classification: Uncertain significance. Last evaluated: 2023-07-26. Review status: criteria provided, single submitter. Criteria: GeneDx Variant Classification Process June 2021. Collection method: clinical testing. Allele origin: germline. Affected: yes.
Comment: Not observed at significant frequency in large population cohorts (gnomAD); In-frame deletion of 3 amino acids in a non-repeat region; In silico analysis supports that this variant does not alter protein structure/function; Has not been previously published as pathogenic or benign to our knowledge